The following is an entry in ClinVar:

NM_001037.5(SCN1B):c.299A>G (p.Asp100Gly)

Gene: SCN1B (sodium voltage-gated channel beta subunit 1; plus strand). Cytogenetic location: 19q13.11.
Variant type: single nucleotide variant.
Coding change: c.299A>G on transcript NM_001037.5 (MANE Select); coding-DNA position 299, A replaced by G.
Protein change: p.Asp100Gly; replaces aspartic acid 100 with glycine.
Molecular consequence: missense variant.
Genome position (GRCh38, 1-based): chr19:35,033,590, A>G. VCF-style: chr19-35033590-A-G. GRCh37 (hg19) VCF-style: chr19-35524494-A-G.
Other names: c.200A>G, p.Asp67Gly (NM_001321605.2); c.299A>G, p.Asp100Gly (NM_199037.5); short protein forms D100G, D67G.
Identifiers: ClinVar variation 1798605 (VCV001798605.2), dbSNP rs1600364540, ClinGen allele CA405328728.

ClinVar aggregate classification (germline): Uncertain significance (1 of 4 stars; one submission).

Conditions:
Cardiovascular phenotype. Identifiers: MedGen CN230736.

Submission:

Ambry Genetics
Classification: Uncertain significance for Cardiovascular phenotype. Last evaluated: 2022-06-03. Review status: criteria provided, single submitter. Criteria: Ambry Variant Classification Scheme 2023. Collection method: clinical testing. Allele origin: germline.
Comment: The p.D100G variant (also known as c.299A>G), located in coding exon 3 of the SCN1B gene, results from an A to G substitution at nucleotide position 299. The aspartic acid at codon 100 is replaced by glycine, an amino acid with similar properties. This amino acid position is highly conserved in available vertebrate species. In addition, this alteration is predicted to be deleterious by in silico analysis. Since supporting evidence is limited at this time, the clinical significance of this alteration remains unclear.